The following is an entry in ClinVar:

ClinVar aggregate classification (germline): Conflicting classifications of pathogenicity. Review status: criteria provided, conflicting classifications (1 of 4 stars). 4 submissions from 4 submitters: Pathogenic (1); Likely pathogenic (2); Uncertain significance (1). Last evaluated 2025-09-02.

Conditions:
Neurofibromatosis, type 1 (NF1). Also called: Neurofibromatosis, type I; NEUROFIBROMATOSIS, TYPE I, SOMATIC; Peripheral type neurofibromatosis; VON RECKLINGHAUSEN DISEASE. Identifiers: Orphanet 636, MedGen C0027831, MONDO:0018975, OMIM 162200. Disease mechanism: loss of function.
Hereditary cancer-predisposing syndrome. Also called: Hereditary neoplastic syndrome; Tumor predisposition; Neoplastic Syndromes, Hereditary; Hereditary Cancer Syndrome. Identifiers: Orphanet 140162, MedGen C0027672, MeSH D009386, MONDO:0015356.
Cardiovascular phenotype. Identifiers: MedGen CN230736.

Submissions (4):

Labcorp Genetics (formerly Invitae), Labcorp
Classification: Pathogenic for Neurofibromatosis, type 1. Last evaluated: 2025-09-02. Review status: criteria provided, single submitter. Criteria: Invitae Variant Classification Sherloc (09022015). Collection method: clinical testing. Allele origin: germline.
Comment: This sequence change replaces leucine, which is neutral and non-polar, with phenylalanine, which is neutral and non-polar, at codon 529 of the NF1 protein (p.Leu529Phe). This variant is not present in population databases (gnomAD no frequency). This missense change has been observed in individual(s) with neurofibromatosis type I (PMID: 37751797; internal data). In at least one individual the variant was observed to be de novo. ClinVar contains an entry for this variant (Variation ID: 431592). Invitae Evidence Modeling of protein sequence and biophysical properties (such as structural, functional, and spatial information, amino acid conservation, physicochemical variation, residue mobility, and thermodynamic stability) indicates that this missense variant is expected to disrupt NF1 protein function with a positive predictive value of 95%. For these reasons, this variant has been classified as Pathogenic.

Ambry Genetics
Classification: Uncertain significance for Cardiovascular phenotype; Hereditary cancer-predisposing syndrome. Last evaluated: 2024-02-09. Review status: criteria provided, single submitter. Criteria: Ambry Variant Classification Scheme 2023. Collection method: clinical testing. Allele origin: germline.
Comment: The p.L529F variant (also known as c.1585C>T), located in coding exon 14 of the NF1 gene, results from a C to T substitution at nucleotide position 1585. The leucine at codon 529 is replaced by phenylalanine, an amino acid with highly similar properties. This alteration was identified in an individual with a clinical diagnosis of neurofibromatosis type 1 (NF1) (Bonatti F et al. Int J Mol Sci, 2017 Sep;18:). This amino acid position is highly conserved in available vertebrate species. In addition, this alteration is predicted to be deleterious by in silico analysis. Based on the available evidence, the clinical significance of this alteration remains unclear.

Medical Genetics, University of Parma
Classification: Likely pathogenic for Neurofibromatosis, type 1. Last evaluated: 2022-08-17. Review status: criteria provided, single submitter. Criteria: ACMG Guidelines, 2015. Collection method: clinical testing. Allele origin: germline. Inheritance: Autosomal dominant inheritance. Affected: yes.

Greenwood Genetic Center Diagnostic Laboratories, Greenwood Genetic Center
Classification: Likely pathogenic for Neurofibromatosis, type 1. Last evaluated: 2021-06-04. Review status: criteria provided, single submitter. Criteria: ACMG Guidelines, 2015. Collection method: clinical testing. Allele origin: germline. Affected: yes.
Comment: PS4_Supporting, PP2, PP3, PM2, PM6

Literature cited by the submitters: PubMed 37751797 (cited by Labcorp Genetics (formerly Invitae), Labcorp).

NM_001042492.3(NF1):c.1585C>T (p.Leu529Phe)

Gene: NF1 (neurofibromin 1; plus strand). Cytogenetic location: 17q11.2.
Variant type: single nucleotide variant.
Coding change: c.1585C>T on transcript NM_001042492.3 (MANE Select); coding-DNA position 1585, C replaced by T.
Protein change: p.Leu529Phe; replaces leucine 529 with phenylalanine.
Molecular consequence: missense variant.
Genome position (GRCh38, 1-based): chr17:31,219,062, C>T. VCF-style: chr17-31219062-C-T. GRCh37 (hg19) VCF-style: chr17-29546080-C-T.
Other names: c.1585C>T, p.Leu529Phe (NM_000267.4, NM_001128147.3); short protein forms L529F.
Identifiers: ClinVar variation 431592 (VCV000431592.10), dbSNP rs1135402816, ClinGen allele CA399001938.